The following is an entry in ClinVar:

NM_019844.4(SLCO1B3):c.1980C>T (p.Asp660=)

Genes: SLCO1B3 (solute carrier organic anion transporter family member 1B3; plus strand), SLCO1B3-SLCO1B7 (SLCO1B3-SLCO1B7 readthrough; plus strand). Cytogenetic location: 12p12.2.
Variant type: single nucleotide variant.
Coding change: c.1980C>T on transcript NM_019844.4 (MANE Select); coding-DNA position 1980, C replaced by T.
Protein change: p.Asp660=; no amino-acid change (aspartic acid 660 retained).
Molecular consequence: synonymous variant. On other transcripts: intron variant (1).
Genome position (GRCh38, 1-based): chr12:20,916,118, C>T. VCF-style: chr12-20916118-C-T. GRCh37 (hg19) VCF-style: chr12-21069052-C-T.
Other names: c.1896C>T, p.Asp632= (NM_001349920.2); c.1865+14651C>T (NM_001371097.1).
Identifiers: ClinVar variation 3045857 (VCV003045857.2), dbSNP rs773592598, ClinGen allele CA6475785.

ClinVar aggregate classification (germline): Likely benign (0 of 4 stars; one submission).

Conditions:
SLCO1B3-related disorder. Also called: SLCO1B3-related condition.

Allele frequency attached by ClinVar (database versions not stated): gnomAD exomes below 0.00001; gnomAD 0.00001; ExAC 0.00002; TOPMed 0.00002.
gnomAD v4.1: 2 of 1,613,132 alleles (0.00012%); highest among the groups gnomAD compares: Non-Finnish European, 0.00017%; no homozygotes.

Submission:

PreventionGenetics, part of Exact Sciences
Classification: Likely benign for SLCO1B3-related condition. Last evaluated: 2022-03-04. Review status: no assertion criteria provided. Collection method: clinical testing. Allele origin: germline.
Comment: This variant is classified as likely benign based on ACMG/AMP sequence variant interpretation guidelines (Richards et al. 2015 PMID: 25741868, with internal and published modifications).